The following is an entry in ClinVar:

ClinVar aggregate classification (germline): Uncertain significance (1 of 4 stars; one submission).

Conditions:
Griscelli syndrome type 2 (GS2). Also called: GRISCELLI SYNDROME WITH HEMOPHAGOCYTIC SYNDROME; PAID SYNDROME; PARTIAL ALBINISM AND IMMUNODEFICIENCY SYNDROME. Identifiers: Orphanet 381, Orphanet 79477, MedGen C1868679, MONDO:0011872, OMIM 607624.

Submission:

Labcorp Genetics (formerly Invitae), Labcorp
Classification: Uncertain significance for Griscelli syndrome type 2. Last evaluated: 2022-03-19. Review status: criteria provided, single submitter. Criteria: Invitae Variant Classification Sherloc (09022015). Collection method: clinical testing. Allele origin: germline.
Comment: In summary, the available evidence is currently insufficient to determine the role of this variant in disease. Therefore, it has been classified as a Variant of Uncertain Significance. Variants that disrupt the consensus splice site are a relatively common cause of aberrant splicing (PMID: 17576681, 9536098). Algorithms developed to predict the effect of sequence changes on RNA splicing suggest that this variant may disrupt the consensus splice site. This variant has not been reported in the literature in individuals affected with RAB27A-related conditions. This variant is not present in population databases (gnomAD no frequency). This sequence change falls in intron 3 of the RAB27A gene. It does not directly change the encoded amino acid sequence of the RAB27A protein. It affects a nucleotide within the consensus splice site.

Literature cited by the submitters: PubMed 17576681; PubMed 9536098.

NM_183235.3(RAB27A):c.239+5G>C

Gene: RAB27A (RAB27A, member RAS oncogene family; minus strand). Cytogenetic location: 15q21.3.
Variant type: single nucleotide variant.
Coding change: c.239+5G>C on transcript NM_183235.3 (MANE Select); 5 bases into the intron after coding-DNA position 239, G replaced by C.
Molecular consequence: intron variant.
Genome position (GRCh38, 1-based): chr15:55,230,396, C>G on the plus strand (G>C on the coding strand, the complement: RAB27A is on the minus strand). VCF-style: chr15-55230396-C-G. GRCh37 (hg19) VCF-style: chr15-55522594-C-G.
Other names: c.239+5G>C (NM_001438970.1, NM_001438977.1, NM_001438975.1 and 11 more transcripts).
Identifiers: ClinVar variation 1419009 (VCV001419009.6), dbSNP rs1269990628, ClinGen allele CA2573150981.